The following is an entry in ClinVar:

NM_001267550.2(TTN):c.63065G>T (p.Arg21022Leu)

Genes: TTN (titin; minus strand), TTN-AS1 (TTN antisense RNA 1; plus strand). Cytogenetic location: 2q31.2.
Variant type: single nucleotide variant.
Coding change: c.63065G>T on transcript NM_001267550.2 (MANE Select); coding-DNA position 63065, G replaced by T.
Protein change: p.Arg21022Leu; replaces arginine 21022 with leucine.
Molecular consequence: missense variant.
Genome position (GRCh38, 1-based): chr2:178,588,660, C>A on the plus strand (G>T on the coding strand, the complement: TTN is on the minus strand). VCF-style: chr2-178588660-C-A. GRCh37 (hg19) VCF-style: chr2-179453387-C-A.
Other names: p.R19381L:CGT>CTT; c.58142G>T, p.Arg19381Leu (NM_001256850.1); c.35870G>T, p.Arg11957Leu (NM_003319.4); c.55361G>T, p.Arg18454Leu (NM_133378.4); c.36245G>T, p.Arg12082Leu (NM_133432.3); c.36446G>T, p.Arg12149Leu (NM_133437.4); short protein forms R19381L, R21022L, R12149L, R11957L, R12082L, R18454L.
Identifiers: ClinVar variation 202768 (VCV000202768.2), dbSNP rs727503585, ClinGen allele CA310224.

ClinVar aggregate classification (germline): Uncertain significance (1 of 4 stars; one submission).

gnomAD v4.1: 4 of 1,611,264 alleles (0.00025%); highest among the groups gnomAD compares: Non-Finnish European, 0.00034%; no homozygotes.

Submission:

GeneDx
Classification: Uncertain significance. Last evaluated: 2014-05-05. Review status: criteria provided, single submitter. Criteria: GeneDx Variant Classification (06012015). Collection method: clinical testing. Allele origin: germline. Affected: yes.
Comment: Missense variants in the TTN gene are considered 'unclassified' if they are not previously reported in the literature and do not have >1% frequency in the population to be considered a polymorphism. Research indicates that truncating mutations in the TTN gene are expected to account for approximately 25% of familial and 18% of sporadic idiopathic DCM; however, truncating variants in the TTN gene have been reported in approximately 3% of reported control alleles. There has been little investigation into non-truncating variants. (Herman D et al. Truncations of titin causing dilated cardiomyopathy. N Eng J Med 366:619-628, 2012) The variant is found in CARDIOMYOPATHY panel(s).